The following is an entry in ClinVar:

NM_000416.3(IFNGR1):c.5C>A (p.Ala2Asp)

Gene: IFNGR1 (interferon gamma receptor 1; minus strand). Cytogenetic location: 6q23.3.
Variant type: single nucleotide variant.
Coding change: c.5C>A on transcript NM_000416.3 (MANE Select); coding-DNA position 5, C replaced by A.
Protein change: p.Ala2Asp; replaces alanine 2 with aspartic acid.
Molecular consequence: missense variant.
Genome position (GRCh38, 1-based): chr6:137,219,323, G>T on the plus strand (C>A on the coding strand, the complement: IFNGR1 is on the minus strand). VCF-style: chr6-137219323-G-T. GRCh37 (hg19) VCF-style: chr6-137540460-G-T.
Other names: short protein forms A2D.
Identifiers: ClinVar variation 2891117 (VCV002891117.3), dbSNP rs121913172, ClinGen allele CA365776542.

ClinVar aggregate classification (germline): Uncertain significance (1 of 4 stars; one submission).

Conditions:
Disseminated atypical mycobacterial infection. Identifiers: MedGen C0694566.

Submission:

Labcorp Genetics (formerly Invitae), Labcorp
Classification: Uncertain significance for Disseminated atypical mycobacterial infection. Last evaluated: 2024-11-18. Review status: criteria provided, single submitter. Criteria: Invitae Variant Classification Sherloc (09022015). Collection method: clinical testing. Allele origin: germline.
Comment: This sequence change replaces alanine, which is neutral and non-polar, with aspartic acid, which is acidic and polar, at codon 2 of the IFNGR1 protein (p.Ala2Asp). This variant is not present in population databases (gnomAD no frequency). This variant has not been reported in the literature in individuals affected with IFNGR1-related conditions. ClinVar contains an entry for this variant (Variation ID: 2891117). An algorithm developed to predict the effect of missense changes on protein structure and function (PolyPhen-2) suggests that this variant is likely to be disruptive. In summary, the available evidence is currently insufficient to determine the role of this variant in disease. Therefore, it has been classified as a Variant of Uncertain Significance.